The following is an entry in ClinVar:

NM_000124.4(ERCC6):c.3643G>A (p.Ala1215Thr)

Gene: ERCC6 (ERCC excision repair 6, chromatin remodeling factor; minus strand). Cytogenetic location: 10q11.23.
Variant type: single nucleotide variant.
Coding change: c.3643G>A on transcript NM_000124.4 (MANE Select); coding-DNA position 3643, G replaced by A.
Protein change: p.Ala1215Thr; replaces alanine 1215 with threonine.
Molecular consequence: missense variant.
Genome position (GRCh38, 1-based): chr10:49,470,317, C>T on the plus strand (G>A on the coding strand, the complement: ERCC6 is on the minus strand). VCF-style: chr10-49470317-C-T. GRCh37 (hg19) VCF-style: chr10-50678363-C-T.
Other names: c.3643G>A, p.Ala1215Thr (NM_001346440.2); c.3643G>A (NM_000124.2); short protein forms A1215T.
Identifiers: ClinVar variation 235487 (VCV000235487.12), dbSNP rs377041857, ClinGen allele CA5495308.

ClinVar aggregate classification (germline): Uncertain significance. Review status: criteria provided, multiple submitters, no conflicts (2 of 4 stars). 5 submissions from 5 submitters: Uncertain significance (5). Last evaluated 2025-03-31.

Conditions:
Inborn genetic diseases. Identifiers: MedGen C0950123, MeSH D030342.

Allele frequency attached by ClinVar (database versions not stated): ExAC 0.00003; gnomAD exomes 0.00003 and 0.00004; gnomAD 0.00004; TOPMed 0.00005; ESP Exome Variant Server 0.00015.
gnomAD v4.1: 76 of 1,614,018 alleles (0.0047%); highest among the groups gnomAD compares: African/African-American, 0.0053%; no homozygotes.

Submissions (5):

Labcorp Genetics (formerly Invitae), Labcorp
Classification: Uncertain significance. Last evaluated: 2025-03-31. Review status: criteria provided, single submitter. Criteria: Invitae Variant Classification Sherloc (09022015). Collection method: clinical testing. Allele origin: germline.
Comment: This sequence change replaces alanine, which is neutral and non-polar, with threonine, which is neutral and polar, at codon 1215 of the ERCC6 protein (p.Ala1215Thr). This variant is present in population databases (rs377041857, gnomAD 0.006%). This variant has not been reported in the literature in individuals affected with ERCC6-related conditions. ClinVar contains an entry for this variant (Variation ID: 235487). Invitae Evidence Modeling of protein sequence and biophysical properties (such as structural, functional, and spatial information, amino acid conservation, physicochemical variation, residue mobility, and thermodynamic stability) indicates that this missense variant is not expected to disrupt ERCC6 protein function with a negative predictive value of 95%. In summary, the available evidence is currently insufficient to determine the role of this variant in disease. Therefore, it has been classified as a Variant of Uncertain Significance.

Ambry Genetics
Classification: Uncertain significance for Inborn genetic diseases. Last evaluated: 2021-09-16. Review status: criteria provided, single submitter. Criteria: Ambry Variant Classification Scheme 2023. Collection method: clinical testing. Allele origin: germline.

Eurofins Ntd Llc (ga)
Classification: Uncertain significance. Last evaluated: 2016-07-28. Review status: criteria provided, single submitter. Criteria: EGL Classification Definitions 2015. Collection method: clinical testing. Allele origin: germline. Observed: 1 variant allele, 1 heterozygote.

Center for Pediatric Genomic Medicine, Children's Mercy Hospital and Clinics
Classification: Uncertain significance. Last evaluated: 2016-03-22. Review status: criteria provided, single submitter. Criteria: ACMG Guidelines, 2015. Collection method: clinical testing. Allele origin: germline.
ClinVar note: Converted during submission from Uncertain Significance to Uncertain significance.

Breakthrough Genomics
Classification: Uncertain significance. Review status: criteria provided, single submitter. Criteria: ACMG Guidelines, 2015. Collection method: not provided. Allele origin: germline. Inheritance: Autosomal recessive inheritance. Affected: yes.